The following is an entry in ClinVar:

ClinVar aggregate classification (germline): Conflicting classifications of pathogenicity. Review status: criteria provided, conflicting classifications (1 of 4 stars). 2 submissions from 2 submitters: Likely pathogenic (1); Uncertain significance (1). Last evaluated 2025-01-06.

Conditions:
EYS-related disorder. Also called: EYS-related condition.

Submissions (2):

Labcorp Genetics (formerly Invitae), Labcorp
Classification: Uncertain significance. Last evaluated: 2025-01-06. Review status: criteria provided, single submitter. Criteria: Invitae Variant Classification Sherloc (09022015). Collection method: clinical testing. Allele origin: germline.
Comment: This sequence change replaces glutamine, which is neutral and polar, with histidine, which is basic and polar, at codon 2026 of the EYS protein (p.Gln2026His). This variant also falls at the last nucleotide of exon 29, which is part of the consensus splice site for this exon. This variant is not present in population databases (gnomAD no frequency). This missense change has been observed in individual(s) with retinitis pigmentosa (PMID: 26667666). ClinVar contains an entry for this variant (Variation ID: 2136428). An algorithm developed to predict the effect of missense changes on protein structure and function (PolyPhen-2) suggests that this variant is likely to be disruptive. Variants that disrupt the consensus splice site are a relatively common cause of aberrant splicing (PMID: 17576681, 9536098). Algorithms developed to predict the effect of sequence changes on RNA splicing suggest that this variant may disrupt the consensus splice site. In summary, the available evidence is currently insufficient to determine the role of this variant in disease. Therefore, it has been classified as a Variant of Uncertain Significance.

Blueprint Genetics
Classification: Likely pathogenic for EYS-related disorders. Last evaluated: 2024-02-14. Review status: criteria provided, single submitter. Criteria: ACMG Guidelines, 2015. Collection method: clinical testing. Allele origin: germline. Affected: yes. Observed: 1 variant allele.

Literature cited by the submitters: PubMed 26667666 (cited by Labcorp Genetics (formerly Invitae), Labcorp); PubMed 17576681 (cited by Labcorp Genetics (formerly Invitae), Labcorp); PubMed 9536098 (cited by Labcorp Genetics (formerly Invitae), Labcorp).

NM_001142800.2(EYS):c.6078G>T (p.Gln2026His)

Gene: EYS (EGF-like photoreceptor maintenance factor; minus strand). Cytogenetic location: 6q12.
Variant type: single nucleotide variant.
Coding change: c.6078G>T on transcript NM_001142800.2 (MANE Select); coding-DNA position 6078, G replaced by T.
Protein change: p.Gln2026His; replaces glutamine 2026 with histidine.
Molecular consequence: missense variant.
Genome position (GRCh38, 1-based): chr6:64,388,690, C>A on the plus strand (G>T on the coding strand, the complement: EYS is on the minus strand). VCF-style: chr6-64388690-C-A. GRCh37 (hg19) VCF-style: chr6-65098583-C-A.
Other names: c.6078G>T, p.Gln2026His (NM_001292009.2); short protein forms Q2026H.
Identifiers: ClinVar variation 2136428 (VCV002136428.5), dbSNP rs2150424888, ClinGen allele CA364391941.